The following is an entry in ClinVar:

NM_000702.4(ATP1A2):c.1519G>T (p.Ala507Ser)

Gene: ATP1A2 (ATPase Na+/K+ transporting subunit alpha 2; plus strand). Cytogenetic location: 1q23.2.
Variant type: single nucleotide variant.
Coding change: c.1519G>T on transcript NM_000702.4 (MANE Select); coding-DNA position 1519, G replaced by T.
Protein change: p.Ala507Ser; replaces alanine 507 with serine.
Molecular consequence: missense variant.
Genome position (GRCh38, 1-based): chr1:160,130,159, G>T. VCF-style: chr1-160130159-G-T. GRCh37 (hg19) VCF-style: chr1-160099949-G-T.
Other names: short protein forms A507S.
Identifiers: ClinVar variation 1494022 (VCV001494022.8), dbSNP rs1651724587, ClinGen allele CA343243135.
Genomic context (GRCh38, chr1:160,130,159, plus strand): 5'-CAGCTGTCTATCCACGAGCGAGAAGACAGCCCCCAGAGCCACGTGCTGGTGATGAAGGGG[G>T]CCCCAGAGCGCATTCTGGACCGGTGCTCCACCATCCTGGTGCAGGGCAAGGAGATCCCGC-3'
Protein context (NP_000693.1, residues 497-517): PQSHVLVMKG[Ala507Ser]PERILDRCST

ClinVar aggregate classification (germline): Uncertain significance (1 of 4 stars; one submission).

Conditions:
Familial hemiplegic migraine. Identifiers: MedGen C0338484, MONDO:0000700.

Allele frequency attached by ClinVar (database versions not stated): TOPMed below 0.00001.

Submission:

Labcorp Genetics (formerly Invitae), Labcorp
Classification: Uncertain significance for Familial hemiplegic migraine. Last evaluated: 2022-06-13. Review status: criteria provided, single submitter. Criteria: Invitae Variant Classification Sherloc (09022015). Collection method: clinical testing. Allele origin: germline.
Comment: This sequence change replaces alanine, which is neutral and non-polar, with serine, which is neutral and polar, at codon 507 of the ATP1A2 protein (p.Ala507Ser). In summary, the available evidence is currently insufficient to determine the role of this variant in disease. Therefore, it has been classified as a Variant of Uncertain Significance. Advanced modeling of protein sequence and biophysical properties (such as structural, functional, and spatial information, amino acid conservation, physicochemical variation, residue mobility, and thermodynamic stability) performed at Invitae indicates that this missense variant is expected to disrupt ATP1A2 protein function. This variant has not been reported in the literature in individuals affected with ATP1A2-related conditions. This variant is not present in population databases (gnomAD no frequency).